The following is an entry in ClinVar:

NM_001166108.2(PALLD):c.1965-12892T>G

Gene: PALLD (palladin, cytoskeletal associated protein; plus strand). Cytogenetic location: 4q32.3.
Variant type: single nucleotide variant.
Coding change: c.1965-12892T>G on transcript NM_001166108.2 (MANE Select); 12892 bases into the intron before coding-DNA position 1965, T replaced by G.
Molecular consequence: intron variant. On other transcripts: missense variant (1).
Genome position (GRCh38, 1-based): chr4:168,878,030, T>G. VCF-style: chr4-168878030-T-G. GRCh37 (hg19) VCF-style: chr4-169799181-T-G.
Other names: c.139T>G, p.Ser47Ala (NM_001166110.2); c.1965-12892T>G (NM_016081.4); c.819-12892T>G (NM_001166109.2); c.-157-12892T>G (NM_001367570.1, NM_001367568.1, NM_001367567.1 and 1 more transcripts); short protein forms S47A.
Identifiers: ClinVar variation 4861527 (VCV004861527.1).

ClinVar aggregate classification (germline): Uncertain significance (1 of 4 stars; one submission).

Submission:

Ambry Genetics
Classification: Uncertain significance. Last evaluated: 2026-03-29. Review status: criteria provided, single submitter. Criteria: Ambry Variant Classification Scheme 2023. Collection method: clinical testing. Allele origin: germline.
Comment: The p.S47A variant (also known as c.139T>G), located in coding exon 1 of the PALLD gene, results from a T to G substitution at nucleotide position 139. The serine at codon 47 is replaced by alanine, an amino acid with similar properties. This amino acid position is conserved. In addition, this alteration is predicted to be tolerated by in silico analysis. Based on the available evidence, the clinical significance of this variant remains unclear.